The following is an entry in ClinVar:

NM_014165.4(NDUFAF4):c.452C>T (p.Ser151Phe)

Gene: NDUFAF4 (NADH:ubiquinone oxidoreductase complex assembly factor 4; minus strand). Cytogenetic location: 6q16.1.
Variant type: single nucleotide variant.
Coding change: c.452C>T on transcript NM_014165.4 (MANE Select); coding-DNA position 452, C replaced by T.
Protein change: p.Ser151Phe; replaces serine 151 with phenylalanine.
Molecular consequence: missense variant.
Genome position (GRCh38, 1-based): chr6:96,891,180, G>A on the plus strand (C>T on the coding strand, the complement: NDUFAF4 is on the minus strand). VCF-style: chr6-96891180-G-A. GRCh37 (hg19) VCF-style: chr6-97339056-G-A.
Other names: c.452C>T (NM_014165.2); short protein forms S151F.
Identifiers: ClinVar variation 3299039 (VCV003299039.2).
Genomic context (GRCh38, chr6:96,891,180, plus strand): 5'-GCTTTCTTGTCTTCAGGAGGGAAGATTTCGACTTCAAAAGTAACAAAATATTTAAGAAGA[G>A]AATTCACATCTTTCTGTTCTAACTGGTATTCCTGCATTATTTTCTCAGCAGTCCAGGTTT-3'
Protein context (NP_054884.1, residues 141-161): EYQLEQKDVN[Ser151Phe]LLKYFVTFEV

ClinVar aggregate classification (germline): Conflicting classifications of pathogenicity. Review status: criteria provided, conflicting classifications (1 of 4 stars). 2 submissions from 2 submitters: Uncertain significance (1); Likely benign (1). Last evaluated 2024-04-29.

Conditions:
Inborn genetic diseases. Identifiers: MedGen C0950123, MeSH D030342.

gnomAD v4.1: 31 of 1,612,894 alleles (0.0019%); highest among the groups gnomAD compares: Non-Finnish European, 0.00059%; no homozygotes.

Submissions (2):

Ambry Genetics
Classification: Likely benign for Inborn genetic diseases. Last evaluated: 2024-04-29. Review status: criteria provided, single submitter. Criteria: Ambry Variant Classification Scheme 2023. Collection method: clinical testing. Allele origin: germline.

GeneDx
Classification: Uncertain significance. Last evaluated: 2024-01-29. Review status: criteria provided, single submitter. Criteria: GeneDx Variant Classification Process June 2021. Collection method: clinical testing. Allele origin: germline. Affected: yes.
Comment: In silico analysis supports that this missense variant has a deleterious effect on protein structure/function; Has not been previously published as pathogenic or benign to our knowledge